The following is an entry in ClinVar:

NM_004444.5(EPHB4):c.2127C>T (p.Asp709=)

Gene: EPHB4 (EPH receptor B4; minus strand). Cytogenetic location: 7q22.1.
Variant type: single nucleotide variant.
Coding change: c.2127C>T on transcript NM_004444.5 (MANE Select); coding-DNA position 2127, C replaced by T.
Protein change: p.Asp709=; no amino-acid change (aspartic acid 709 retained).
Molecular consequence: synonymous variant.
Genome position (GRCh38, 1-based): chr7:100,807,572, G>A on the plus strand (C>T on the coding strand, the complement: EPHB4 is on the minus strand). VCF-style: chr7-100807572-G-A. GRCh37 (hg19) VCF-style: chr7-100405194-G-A.
Identifiers: ClinVar variation 1786333 (VCV001786333.6), dbSNP rs771574231, ClinGen allele CA4392714.

ClinVar aggregate classification (germline): Likely benign. Review status: criteria provided, multiple submitters, no conflicts (2 of 4 stars). 3 submissions from 3 submitters: Likely benign (3). Last evaluated 2025-12-18.

Conditions:
EPHB4-related disorder. Also called: EPHB4-related condition; EPHB4-related disorders.
Cardiovascular phenotype. Identifiers: MedGen CN230736.

gnomAD v4.1: 147 of 1,612,920 alleles (0.0091%); highest among the groups gnomAD compares: East Asian, 0.12%; no homozygotes.

Submissions (3):

Labcorp Genetics (formerly Invitae), Labcorp
Classification: Likely benign. Last evaluated: 2025-12-18. Review status: criteria provided, single submitter. Criteria: Invitae Variant Classification Sherloc (09022015). Collection method: clinical testing. Allele origin: germline.

PreventionGenetics, part of Exact Sciences
Classification: Likely benign for EPHB4-related condition. Last evaluated: 2025-08-22. Review status: criteria provided, single submitter. Criteria: ACMG Guidelines, 2015. Collection method: clinical testing. Allele origin: germline.
Comment: This variant is classified as likely benign based on ACMG/AMP sequence variant interpretation guidelines (Richards et al. 2015 PMID: 25741868, with internal and published modifications).

Ambry Genetics
Classification: Likely benign for Cardiovascular phenotype. Last evaluated: 2019-05-23. Review status: criteria provided, single submitter. Criteria: Ambry Variant Classification Scheme 2023. Collection method: clinical testing. Allele origin: germline.